The following is an entry in ClinVar:

NM_201596.3(CACNB2):c.1291C>G (p.Gln431Glu)

Gene: CACNB2 (calcium voltage-gated channel auxiliary subunit beta 2; plus strand). Cytogenetic location: 10p12.31.
Variant type: single nucleotide variant.
Coding change: c.1291C>G on transcript NM_201596.3 (MANE Select); coding-DNA position 1291, C replaced by G.
Protein change: p.Gln431Glu; replaces glutamine 431 with glutamic acid.
Molecular consequence: missense variant.
Genome position (GRCh38, 1-based): chr10:18,536,185, C>G. VCF-style: chr10-18536185-C-G. GRCh37 (hg19) VCF-style: chr10-18825114-C-G.
Other names: c.1126C>G, p.Gln376Glu (NM_000724.4); c.1093C>G, p.Gln365Glu (NM_001167945.2); c.1012C>G, p.Gln338Glu (NM_001330060.2); c.1033C>G, p.Gln345Glu (NM_001410882.1); c.1147C>G, p.Gln383Glu (NM_201570.3); c.1207C>G, p.Gln403Glu (NM_201571.4); c.1135C>G, p.Gln379Glu (NM_201572.4); c.1129C>G, p.Gln377Glu (NM_201590.3); and 2 more; short protein forms Q338E, Q345E, Q365E, Q376E, Q377E, Q379E, Q383E, Q393E.
Identifiers: ClinVar variation 4868129 (VCV004868129.1).

ClinVar aggregate classification (germline): Uncertain significance (1 of 4 stars; one submission).

Conditions:
Cardiovascular phenotype. Identifiers: MedGen CN230736.

gnomAD v4.1: 1 of 1,561,450 alleles (0.000064%); highest among the groups gnomAD compares: Admixed American, 0.0017%; no homozygotes.

Submission:

Ambry Genetics
Classification: Uncertain significance for Cardiovascular phenotype. Last evaluated: 2026-05-28. Review status: criteria provided, single submitter. Criteria: Ambry Variant Classification Scheme 2023. Collection method: clinical testing. Allele origin: germline.
Comment: The p.Q377E variant (also known as c.1129C>G), located in coding exon 11 of the CACNB2 gene, results from a C to G substitution at nucleotide position 1129. The glutamine at codon 377 is replaced by glutamic acid, an amino acid with highly similar properties. This amino acid position is conserved. In addition, this alteration is predicted to be deleterious by in silico analysis. Based on the available evidence, the clinical significance of this variant remains unclear.